The following is an entry in ClinVar:

ClinVar aggregate classification (germline): Likely pathogenic (1 of 4 stars; one submission).

Conditions:
Congenital microcephaly - severe encephalopathy - progressive cerebral atrophy syndrome. Also called: ASNS DEFICIENCY; Asparagine synthetase deficiency. Identifiers: Orphanet 391376, MedGen C3809971, MONDO:0014258, OMIM 615574.

Submission:

Natera, Inc.
Classification: Likely pathogenic for Asparagine synthetase deficiency. Last evaluated: 2025-01-06. Review status: criteria provided, single submitter. Criteria: Natera Variant Classification Schema (03/2026). Collection method: clinical testing. Allele origin: germline.
Comment: The c.1249A>T variant in ASNS is a nonsense variant predicted to introduce a stop codon at amino acid 417. This variant is expected to result in nonsense mediated decay, truncation, or a dysfunctional protein product. This variant is rare in the general population with a frequency below the threshold expected for the associated phenotype(s). Given the available evidence, this variant is classified as Likely Pathogenic.

NM_001673.5(ASNS):c.1249A>T (p.Arg417Ter)

Genes: ASNS (asparagine synthetase (glutamine-hydrolyzing); minus strand), CZ1P-ASNS (CZ1P-ASNS readthrough; minus strand). Cytogenetic location: 7q21.3.
Variant type: single nucleotide variant.
Coding change: c.1249A>T on transcript NM_001673.5 (MANE Select); coding-DNA position 1249, A replaced by T.
Protein change: p.Arg417Ter; replaces arginine 417 with a stop codon.
Molecular consequence: nonsense. On other transcripts: non-coding transcript variant (1).
Genome position (GRCh38, 1-based): chr7:97,853,376, T>A on the plus strand (A>T on the coding strand, the complement: ASNS is on the minus strand). VCF-style: chr7-97853376-T-A. GRCh37 (hg19) VCF-style: chr7-97482688-T-A.
Other names: c.1186A>T, p.Arg396Ter (NM_001178075.2); c.1000A>T, p.Arg334Ter (NM_001178076.2, NM_001178077.1); c.1249A>T, p.Arg417Ter (NM_001352496.2, NM_133436.3, NM_183356.4); short protein forms R334*, R396*, R417*.
Identifiers: ClinVar variation 4062005 (VCV004062005.2).